The following is an entry in ClinVar:

ClinVar aggregate classification (germline): Likely pathogenic (1 of 4 stars; one submission).

Conditions:
Autosomal recessive nonsyndromic hearing loss 3. Also called: NEUROSENSORY NONSYNDROMIC RECESSIVE DEAFNESS 3. Identifiers: Orphanet 90636, MedGen C1838263, MONDO:0010860, OMIM 600316.

Submission:

Neuberg Centre For Genomic Medicine, NCGM
Classification: Likely pathogenic for Autosomal recessive nonsyndromic hearing loss 3. Review status: criteria provided, single submitter. Criteria: ACMG Guidelines, 2015. Collection method: clinical testing. Allele origin: germline. Affected: yes.
Comment: The splice site c.8789-2A>G variant has not been reported previously as a pathogenic variant nor as a benign variant, to our knowledge. The variant is novel (not in any individuals) in 1000 Genomes and is novel (not in any individuals) in gnomAD. The nucleotide change in MYO15A is predicted as conserved by GERP++ and PhyloP across 100 vertebrates. For these reasons, this variant has been classified as Likely Pathogenic.

NM_016239.4(MYO15A):c.8789-2A>G

Gene: MYO15A (myosin XVA; plus strand). Cytogenetic location: 17p11.2.
Variant type: single nucleotide variant.
Coding change: c.8789-2A>G on transcript NM_016239.4 (MANE Select); the canonical splice acceptor site of the intron before coding-DNA position 8789, A replaced by G.
Molecular consequence: splice acceptor variant.
Genome position (GRCh38, 1-based): chr17:18,157,720, A>G. VCF-style: chr17-18157720-A-G. GRCh37 (hg19) VCF-style: chr17-18061034-A-G.
Identifiers: ClinVar variation 1878598 (VCV001878598.1), dbSNP rs2545305166, ClinGen allele CA398630116.